The following is an entry in ClinVar:

NM_000843.4(GRM6):c.597C>A (p.Tyr199Ter)

Gene: GRM6 (glutamate metabotropic receptor 6; minus strand). Cytogenetic location: 5q35.3.
Variant type: single nucleotide variant.
Coding change: c.597C>A on transcript NM_000843.4 (MANE Select); coding-DNA position 597, C replaced by A.
Protein change: p.Tyr199Ter; replaces tyrosine 199 with a stop codon.
Molecular consequence: nonsense.
Genome position (GRCh38, 1-based): chr5:178,991,991, G>T on the plus strand (C>A on the coding strand, the complement: GRM6 is on the minus strand). VCF-style: chr5-178991991-G-T. GRCh37 (hg19) VCF-style: chr5-178418992-G-T.
Other names: short protein forms Y199*.
Identifiers: ClinVar variation 2103349 (VCV002103349.4), dbSNP rs2480400620, ClinGen allele CA362434287.

ClinVar aggregate classification (germline): Pathogenic (1 of 4 stars; one submission).

Submission:

Labcorp Genetics (formerly Invitae), Labcorp
Classification: Pathogenic. Last evaluated: 2022-01-05. Review status: criteria provided, single submitter. Criteria: Invitae Variant Classification Sherloc (09022015). Collection method: clinical testing. Allele origin: germline.
Comment: This sequence change creates a premature translational stop signal (p.Tyr199*) in the GRM6 gene. It is expected to result in an absent or disrupted protein product. Loss-of-function variants in GRM6 are known to be pathogenic (PMID: 15781871, 16622103, 22008250). This variant is not present in population databases (gnomAD no frequency). This variant has not been reported in the literature in individuals affected with GRM6-related conditions. For these reasons, this variant has been classified as Pathogenic.

Literature cited by the submitters: PubMed 15781871; PubMed 16622103; PubMed 22008250.